The following is an entry in ClinVar:

ClinVar aggregate classification (germline): Uncertain significance (1 of 4 stars; one submission).

Submission:

GeneDx
Classification: Uncertain significance. Last evaluated: 2023-02-06. Review status: criteria provided, single submitter. Criteria: GeneDx Variant Classification Process June 2021. Collection method: clinical testing. Allele origin: germline. Affected: yes.
Comment: Not observed at significant frequency in large population cohorts (gnomAD); In silico analysis supports that this missense variant does not alter protein structure/function; Has not been previously published as pathogenic or benign to our knowledge

NM_003483.6(HMGA2):c.311A>G (p.Glu104Gly)

Gene: HMGA2 (high mobility group AT-hook 2; plus strand). Cytogenetic location: 12q14.3.
Variant type: single nucleotide variant.
Coding change: c.311A>G on transcript NM_003483.6 (MANE Select); coding-DNA position 311, A replaced by G.
Protein change: p.Glu104Gly; replaces glutamic acid 104 with glycine.
Molecular consequence: missense variant.
Genome position (GRCh38, 1-based): chr12:65,963,273, A>G. VCF-style: chr12-65963273-A-G. GRCh37 (hg19) VCF-style: chr12-66357053-A-G.
Other names: short protein forms E104G.
Identifiers: ClinVar variation 2574934 (VCV002574934.1), dbSNP rs2499136244, ClinGen allele CA385679401.